The following is an entry in ClinVar:

NM_001029883.3(PCARE):c.85C>T (p.Arg29Trp)

Gene: PCARE (photoreceptor cilium actin regulator; minus strand). Cytogenetic location: 2p23.2.
Variant type: single nucleotide variant.
Coding change: c.85C>T on transcript NM_001029883.3 (MANE Select); coding-DNA position 85, C replaced by T.
Protein change: p.Arg29Trp; replaces arginine 29 with tryptophan.
Molecular consequence: missense variant.
Genome position (GRCh38, 1-based): chr2:29,074,177, G>A on the plus strand (C>T on the coding strand, the complement: PCARE is on the minus strand). VCF-style: chr2-29074177-G-A. GRCh37 (hg19) VCF-style: chr2-29297043-G-A.
Other names: short protein forms R29W.
Identifiers: ClinVar variation 498446 (VCV000498446.21), dbSNP rs201706430, ClinGen allele CA1592724.

ClinVar aggregate classification (germline): Conflicting classifications of pathogenicity. Review status: criteria provided, conflicting classifications (1 of 4 stars). 6 submissions from 6 submitters: Uncertain significance (4); Likely benign (2). Last evaluated 2026-06-29.

Conditions:
PCARE-related disorder. Also called: PCARE-related condition.
Retinal dystrophy. Also called: Inherited retinal dystrophy. Identifiers: Orphanet 71862, MedGen C0854723, MeSH D058499, MONDO:0019118, HP:0000556.
Retinitis pigmentosa (RP). Identifiers: Orphanet 791, MedGen C0035334, MeSH D012174, MONDO:0019200, OMIM 268000. Inheritance: Autosomal dominant, autosomal recessive and X linked inheritance.

Allele frequency attached by ClinVar (database versions not stated): gnomAD 0.00002 and 0.00003; TOPMed 0.00003; gnomAD exomes 0.00008 and 0.00026; 1000 Genomes Project 0.00020; ExAC 0.00027; 1000 Genomes Project 30x 0.00031.

Submissions (6):

PreventionGenetics, part of Exact Sciences
Classification: Likely benign for PCARE-related condition. Last evaluated: 2026-06-29. Review status: criteria provided, single submitter. Criteria: ACMG Guidelines, 2015. Collection method: clinical testing. Allele origin: germline.
Comment: This variant is classified as likely benign based on ACMG/AMP sequence variant interpretation guidelines (Richards et al. 2015 PMID: 25741868, with internal and published modifications).

Labcorp Genetics (formerly Invitae), Labcorp
Classification: Likely benign. Last evaluated: 2025-12-19. Review status: criteria provided, single submitter. Criteria: Invitae Variant Classification Sherloc (09022015). Collection method: clinical testing. Allele origin: germline.

Blueprint Genetics
Classification: Uncertain significance. Last evaluated: 2024-10-08. Review status: criteria provided, single submitter. Criteria: ACMG Guidelines, 2015. Collection method: clinical testing. Allele origin: germline.

Dept Of Ophthalmology, Nagoya University
Classification: Uncertain significance for Retinal dystrophy. Last evaluated: 2023-10-01. Review status: criteria provided, single submitter. Criteria: Submitter's publication. Collection method: research. Allele origin: germline. Affected: yes.

Illumina Laboratory Services, Illumina
Classification: Uncertain significance for Retinitis pigmentosa. Last evaluated: 2018-01-13. Review status: criteria provided, single submitter. Criteria: ICSL Variant Classification Criteria 13 December 2019. Collection method: clinical testing. Allele origin: germline.

Eurofins Ntd Llc (ga)
Classification: Uncertain significance. Last evaluated: 2016-12-09. Review status: criteria provided, single submitter. Criteria: EGL Classification Definitions 2015. Collection method: clinical testing. Allele origin: germline. Observed: 1 variant allele, 1 heterozygote.